The following is an entry in ClinVar:

ClinVar aggregate classification (germline): Uncertain significance. Review status: criteria provided, multiple submitters, no conflicts (2 of 4 stars). 2 submissions from 2 submitters: Uncertain significance (2). Last evaluated 2025-09-02.

Conditions:
Familial adenomatous polyposis 1 (FAP1). Also called: POLYPOSIS, ADENOMATOUS INTESTINAL; FAMILIAL ADENOMATOUS POLYPOSIS 1, ATTENUATED. Identifiers: MedGen C2713442, MONDO:0021056, OMIM 175100. Disease mechanism: loss of function.
Hereditary cancer-predisposing syndrome. Also called: Neoplastic Syndromes, Hereditary; Tumor predisposition; Hereditary neoplastic syndrome; Hereditary Cancer Syndrome. Identifiers: Orphanet 140162, MedGen C0027672, MeSH D009386, MONDO:0015356.

Allele frequency attached by ClinVar (database versions not stated): gnomAD exomes below 0.00001; ExAC 0.00001; gnomAD 0.00001 and 0.00003; TOPMed 0.00001.
gnomAD v4.1: 5 of 1,613,714 alleles (0.00031%); highest among the groups gnomAD compares: East Asian, 0.0022%; no homozygotes.

Submissions (2):

Ambry Genetics
Classification: Uncertain significance for Hereditary cancer-predisposing syndrome. Last evaluated: 2025-09-02. Review status: criteria provided, single submitter. Criteria: Ambry Variant Classification Scheme 2023. Collection method: clinical testing. Allele origin: germline.
Comment: The p.N1782H variant (also known as c.5344A>C), located in coding exon 15 of the APC gene, results from an A to C substitution at nucleotide position 5344. The asparagine at codon 1782 is replaced by histidine, an amino acid with similar properties. This amino acid position is not well conserved in available vertebrate species. In addition, in silico predictors for this gene do not accurately predict pathogenicity. Since supporting evidence is limited at this time, the clinical significance of this alteration remains unclear.

Labcorp Genetics (formerly Invitae), Labcorp
Classification: Uncertain significance for Familial adenomatous polyposis 1. Last evaluated: 2022-11-15. Review status: criteria provided, single submitter. Criteria: Invitae Variant Classification Sherloc (09022015). Collection method: clinical testing. Allele origin: germline.
Comment: ClinVar contains an entry for this variant (Variation ID: 825667). In summary, the available evidence is currently insufficient to determine the role of this variant in disease. Therefore, it has been classified as a Variant of Uncertain Significance. Advanced modeling of protein sequence and biophysical properties (such as structural, functional, and spatial information, amino acid conservation, physicochemical variation, residue mobility, and thermodynamic stability) performed at Invitae indicates that this missense variant is not expected to disrupt APC protein function. This variant has not been reported in the literature in individuals affected with APC-related conditions. This variant is present in population databases (rs772200566, gnomAD 0.005%). This sequence change replaces asparagine, which is neutral and polar, with histidine, which is basic and polar, at codon 1782 of the APC protein (p.Asn1782His).

NM_000038.6(APC):c.5344A>C (p.Asn1782His)

Gene: APC (APC regulator of Wnt signaling pathway; plus strand). Cytogenetic location: 5q22.2.
Variant type: single nucleotide variant.
Coding change: c.5344A>C on transcript NM_000038.6 (MANE Select); coding-DNA position 5344, A replaced by C.
Protein change: p.Asn1782His; replaces asparagine 1782 with histidine.
Molecular consequence: missense variant.
Genome position (GRCh38, 1-based): chr5:112,840,938, A>C. VCF-style: chr5-112840938-A-C. GRCh37 (hg19) VCF-style: chr5-112176635-A-C.
Other names: c.5344A>C, p.Asn1782His (NM_001127510.3, NM_001354895.2); c.5290A>C, p.Asn1764His (NM_001127511.3); c.5398A>C, p.Asn1800His (NM_001354896.2); c.5374A>C, p.Asn1792His (NM_001354897.2); c.5269A>C, p.Asn1757His (NM_001354898.2); c.5260A>C, p.Asn1754His (NM_001354899.2); c.5221A>C, p.Asn1741His (NM_001354900.2); c.5167A>C, p.Asn1723His (NM_001354901.2); and 5 more; short protein forms N1723H, N1757H, N1622H, N1691H, N1741H, N1754H, N1800H, N1764H.
Identifiers: ClinVar variation 825667 (VCV000825667.16), dbSNP rs772200566, ClinGen allele CA041632.